The following is an entry in ClinVar:

ClinVar aggregate classification (germline): Uncertain significance (1 of 4 stars; one submission).

Submission:

Labcorp Genetics (formerly Invitae), Labcorp
Classification: Uncertain significance. Last evaluated: 2024-06-03. Review status: criteria provided, single submitter. Criteria: Invitae Variant Classification Sherloc (09022015). Collection method: clinical testing. Allele origin: germline.
Comment: This variant, c.2303_2305del, results in the deletion of 1 amino acid(s) of the NSD1 protein (p.Ile768del), but otherwise preserves the integrity of the reading frame. This variant is not present in population databases (gnomAD no frequency). This variant has not been reported in the literature in individuals affected with NSD1-related conditions. Experimental studies and prediction algorithms are not available or were not evaluated, and the functional significance of this variant is currently unknown. In summary, the available evidence is currently insufficient to determine the role of this variant in disease. Therefore, it has been classified as a Variant of Uncertain Significance.

NM_022455.5(NSD1):c.2300TAA[1] (p.Ile768del)

Gene: NSD1 (nuclear receptor binding SET domain protein 1; plus strand). Cytogenetic location: 5q35.3.
Variant type: Microsatellite.
Coding change: c.2300TAA[1] on transcript NM_022455.5 (MANE Select); one copy of the 3-base unit TAA starting at c.2300; the reference has two copies in a row; one copy, 3 bases deleted.
Protein change: p.Ile768del; deletes isoleucine 768.
Molecular consequence: inframe deletion. On other transcripts: inframe indel (11).
Genome position (GRCh38, 1-based): chr5:177,210,702-177,210,704, TAA deleted; deleting any 3 consecutive bases within chr5:177,210,699-177,210,704 gives the same sequence; the position shown is the placement nearest the transcript's 3' end. VCF-style (leftmost placement, unchanged base first): chr5-177210698-TTAA-T. GRCh37 (hg19) VCF-style: chr5-176637699-TTAA-T.
Other names: c.1427_1429TAA[1], p.Ile477del (NM_001365684.2, NM_001409306.1, NM_001409307.1 and 3 more transcripts); c.2300_2302TAA[1], p.Ile768del (NM_001409301.1, NM_001409302.1, NM_001409303.1); c.1880_1882TAA[1], p.Ile628del (NM_001409304.1); c.1547_1549TAA[1], p.Ile517del (NM_001409305.1); short protein forms I477del, I499del, I517del, I628del, I768del.
Identifiers: ClinVar variation 1993662 (VCV001993662.4), dbSNP rs2480453154, ClinGen allele CA2580614802.